The following is an entry in ClinVar:

NM_001372044.2(SHANK3):c.3001G>A (p.Gly1001Ser)

Gene: SHANK3 (SH3 and multiple ankyrin repeat domains 3; plus strand). Cytogenetic location: 22q13.33.
Variant type: single nucleotide variant.
Coding change: c.3001G>A on transcript NM_001372044.2 (MANE Select); coding-DNA position 3001, G replaced by A.
Protein change: p.Gly1001Ser; replaces glycine 1001 with serine.
Molecular consequence: missense variant.
Genome position (GRCh38, 1-based): chr22:50,720,609, G>A. VCF-style: chr22-50720609-G-A. GRCh37 (hg19) VCF-style: chr22-51159037-G-A.
Other names: c.2776G>A, p.Gly926Ser (NM_033517.1); short protein forms G1001S, G926S.
Identifiers: ClinVar variation 2502572 (VCV002502572.1), dbSNP rs2518425765, ClinGen allele CA515259764.
Genomic context (GRCh38, chr22:50,720,609, plus strand): 5'-CCTCGACCCCCGCCCGCGGCCACCCCGCCCGAGCGACCCAAGCGCCGGCCGCGGCCGCCC[G>A]GCCCCGACAGCCCCTACGCCAACCTGGGCGCCTTCAGCGCCAGCCTCTTCGCTCCGTCCA-3'
Protein context (NP_001358973.1, residues 991-1011): ERPKRRPRPP[Gly1001Ser]PDSPYANLGA

ClinVar aggregate classification (germline): Uncertain significance (1 of 4 stars; one submission).

Submission:

GeneDx
Classification: Uncertain significance. Last evaluated: 2022-11-21. Review status: criteria provided, single submitter. Criteria: GeneDx Variant Classification Process June 2021. Collection method: clinical testing. Allele origin: germline. Affected: yes.
Comment: Not observed at significant frequency in large population cohorts (gnomAD); In silico analysis supports that this missense variant does not alter protein structure/function; Has not been previously published as pathogenic or benign to our knowledge; In silico analysis is inconclusive as to whether the variant alters gene splicing. In the absence of RNA/functional studies, the actual effect of this sequence change is unknown.